The following is an entry in ClinVar:

ClinVar aggregate classification (germline): Uncertain significance (1 of 4 stars; one submission).

Submission:

Labcorp Genetics (formerly Invitae), Labcorp
Classification: Uncertain significance. Last evaluated: 2024-10-29. Review status: criteria provided, single submitter. Criteria: Invitae Variant Classification Sherloc (09022015). Collection method: clinical testing. Allele origin: germline.
Comment: This sequence change replaces serine, which is neutral and polar, with asparagine, which is neutral and polar, at codon 224 of the RHBDF2 protein (p.Ser224Asn). This variant is present in population databases (rs774604581, gnomAD 0.02%). This variant has not been reported in the literature in individuals affected with RHBDF2-related conditions. An algorithm developed to predict the effect of missense changes on protein structure and function (PolyPhen-2) suggests that this variant is likely to be disruptive. In summary, the available evidence is currently insufficient to determine the role of this variant in disease. Therefore, it has been classified as a Variant of Uncertain Significance.

NM_001005498.4(RHBDF2):c.584G>A (p.Ser195Asn)

Gene: RHBDF2 (rhomboid 5 homolog 2; minus strand). Cytogenetic location: 17q25.1.
Variant type: single nucleotide variant.
Coding change: c.584G>A on transcript NM_001005498.4 (MANE Select); coding-DNA position 584, G replaced by A.
Protein change: p.Ser195Asn; replaces serine 195 with asparagine.
Molecular consequence: missense variant. On other transcripts: non-coding transcript variant (3).
Genome position (GRCh38, 1-based): chr17:76,478,894, C>T on the plus strand (G>A on the coding strand, the complement: RHBDF2 is on the minus strand). VCF-style: chr17-76478894-C-T. GRCh37 (hg19) VCF-style: chr17-74474976-C-T.
Other names: c.584G>A, p.Ser195Asn (NM_001376228.1, NM_001376229.1, NM_001376230.1); c.671G>A, p.Ser224Asn (NM_024599.5); short protein forms S195N, S224N.
Identifiers: ClinVar variation 3634270 (VCV003634270.2).
Genomic context (GRCh38, chr17:76,478,894, plus strand): 5'-CTCATGTGGGCCACAGACATTCTCTTGCGGCGTGGCAGGTGGGAGTAGCCAGAACGGACA[C>T]TGGTGAAGGAGGTGAGGGACAGGACTCCGGGGGTCAGCGGTGGGTGCGGGGCGTGGGGCC-3'
Protein context (NP_001005498.2, residues 185-205): PGVLSLTSFT[Ser195Asn]VRSGYSHLPR